The following is an entry in ClinVar:

ClinVar aggregate classification (germline): Conflicting classifications of pathogenicity. Review status: criteria provided, conflicting classifications (1 of 4 stars). 2 submissions from 2 submitters: Uncertain significance (1); Likely benign (1). Last evaluated 2025-11-05.

Conditions:
Adams-Oliver syndrome 5 (AOS5). Identifiers: Orphanet 974, MedGen C4014970, MONDO:0014459, OMIM 616028.

Allele frequency attached by ClinVar (database versions not stated): gnomAD exomes below 0.00001; ExAC 0.00001.
gnomAD v4.1: 1 of 1,613,086 alleles (0.000062%); highest among the groups gnomAD compares: Non-Finnish European, 0.000085%; no homozygotes.

Submissions (2):

GeneDx
Classification: Uncertain significance. Last evaluated: 2025-11-05. Review status: criteria provided, single submitter. Criteria: GeneDx Variant Classification Process June 2021. Collection method: clinical testing. Allele origin: germline. Affected: yes.
Comment: Has not been previously published as pathogenic or benign to our knowledge; Not observed at significant frequency in large population cohorts (gnomAD); In silico analysis suggests that this missense variant does not alter protein structure/function

Labcorp Genetics (formerly Invitae), Labcorp
Classification: Likely benign for Adams-Oliver syndrome 5. Last evaluated: 2023-01-27. Review status: criteria provided, single submitter. Criteria: Invitae Variant Classification Sherloc (09022015). Collection method: clinical testing. Allele origin: germline.

NM_017617.5(NOTCH1):c.1961C>T (p.Thr654Ile)

Gene: NOTCH1 (notch receptor 1; minus strand). Cytogenetic location: 9q34.3.
Variant type: single nucleotide variant.
Coding change: c.1961C>T on transcript NM_017617.5 (MANE Select); coding-DNA position 1961, C replaced by T.
Protein change: p.Thr654Ile; replaces threonine 654 with isoleucine.
Molecular consequence: missense variant.
Genome position (GRCh38, 1-based): chr9:136,515,343, G>A on the plus strand (C>T on the coding strand, the complement: NOTCH1 is on the minus strand). VCF-style: chr9-136515343-G-A. GRCh37 (hg19) VCF-style: chr9-139409795-G-A.
Other names: short protein forms T654I.
Identifiers: ClinVar variation 1311417 (VCV001311417.7), dbSNP rs765651994, ClinGen allele CA5341554.